The following is an entry in ClinVar:

ClinVar aggregate classification (germline): Uncertain significance (1 of 4 stars; one submission).

Conditions:
Retinoblastoma (RB1). Also called: RETINOBLASTOMA, SOMATIC. Identifiers: Orphanet 790, MedGen C0035335, MeSH D012175, MONDO:0008380, OMIM 180200, HP:0009919. Disease mechanism: loss of function. Inheritance: Both sporadic and heritable forms are tested..

Allele frequency attached by ClinVar (database versions not stated): TOPMed below 0.00001; gnomAD 0.00001.
gnomAD v4.1: 1 of 1,612,992 alleles (0.000062%); highest among the groups gnomAD compares: Non-Finnish European, 0.000085%; no homozygotes.

Submission:

Labcorp Genetics (formerly Invitae), Labcorp
Classification: Uncertain significance for Retinoblastoma. Last evaluated: 2022-12-15. Review status: criteria provided, single submitter. Criteria: Invitae Variant Classification Sherloc (09022015). Collection method: clinical testing. Allele origin: germline.
Comment: ClinVar contains an entry for this variant (Variation ID: 1437226). This variant has not been reported in the literature in individuals affected with RB1-related conditions. This variant is not present in population databases (gnomAD no frequency). This sequence change replaces leucine, which is neutral and non-polar, with phenylalanine, which is neutral and non-polar, at codon 594 of the RB1 protein (p.Leu594Phe). Advanced modeling of protein sequence and biophysical properties (such as structural, functional, and spatial information, amino acid conservation, physicochemical variation, residue mobility, and thermodynamic stability) performed at Invitae indicates that this missense variant is not expected to disrupt RB1 protein function. In summary, the available evidence is currently insufficient to determine the role of this variant in disease. Therefore, it has been classified as a Variant of Uncertain Significance.

NM_000321.3(RB1):c.1780C>T (p.Leu594Phe)

Gene: RB1 (RB transcriptional corepressor 1; plus strand). Cytogenetic location: 13q14.2.
Variant type: single nucleotide variant.
Coding change: c.1780C>T on transcript NM_000321.3 (MANE Select); coding-DNA position 1780, C replaced by T.
Protein change: p.Leu594Phe; replaces leucine 594 with phenylalanine.
Molecular consequence: missense variant.
Genome position (GRCh38, 1-based): chr13:48,453,077, C>T. VCF-style: chr13-48453077-C-T. GRCh37 (hg19) VCF-style: chr13-49027213-C-T.
Other names: short protein forms L594F.
Identifiers: ClinVar variation 1437226 (VCV001437226.8), dbSNP rs1361971661, ClinGen allele CA388165597.